The following is an entry in ClinVar:

ClinVar aggregate classification (germline): Uncertain significance (1 of 4 stars; one submission).

Conditions:
Inborn genetic diseases. Identifiers: MedGen C0950123, MeSH D030342.

Submission:

Ambry Genetics
Classification: Uncertain significance for Inborn genetic diseases. Last evaluated: 2026-01-24. Review status: criteria provided, single submitter. Criteria: Ambry Variant Classification Scheme 2023. Collection method: clinical testing. Allele origin: germline.
Comment: The p.D2E variant (also known as c.6T>A), located in coding exon 1 of the ERCC6L2 gene, results from a T to A substitution at nucleotide position 6. The aspartic acid at codon 2 is replaced by glutamic acid, an amino acid with highly similar properties. This amino acid position is conserved. In addition, this alteration is predicted to be tolerated by in silico analysis. Based on the available evidence, the clinical significance of this variant remains unclear.

NM_020207.7(ERCC6L2):c.6T>A (p.Asp2Glu)

Gene: ERCC6L2 (ERCC excision repair 6 like 2; plus strand). Cytogenetic location: 9q22.32.
Variant type: single nucleotide variant.
Coding change: c.6T>A on transcript NM_020207.7 (MANE Select); coding-DNA position 6, T replaced by A.
Protein change: p.Asp2Glu; replaces aspartic acid 2 with glutamic acid.
Molecular consequence: missense variant. On other transcripts: non-coding transcript variant (1).
Genome position (GRCh38, 1-based): chr9:95,876,044, T>A. VCF-style: chr9-95876044-T-A. GRCh37 (hg19) VCF-style: chr9-98638326-T-A.
Other names: c.6T>A, p.Asp2Glu (NM_001010895.4, NM_001375291.1, NM_001375292.1 and 2 more transcripts); short protein forms D2E.
Identifiers: ClinVar variation 4825643 (VCV004825643.1).